The following is an entry in ClinVar:

ClinVar aggregate classification (germline): Uncertain significance (1 of 4 stars; one submission).

Allele frequency attached by ClinVar (database versions not stated): gnomAD exomes below 0.00001; TOPMed below 0.00001; ExAC 0.00001; gnomAD 0.00001.
gnomAD v4.1: 3 of 1,614,090 alleles (0.00019%); highest among the groups gnomAD compares: South Asian, 0.0022%; no homozygotes.

Submission:

Labcorp Genetics (formerly Invitae), Labcorp
Classification: Uncertain significance. Last evaluated: 2022-02-08. Review status: criteria provided, single submitter. Criteria: Invitae Variant Classification Sherloc (09022015). Collection method: clinical testing. Allele origin: germline.
Comment: In summary, the available evidence is currently insufficient to determine the role of this variant in disease. Therefore, it has been classified as a Variant of Uncertain Significance. Advanced modeling of protein sequence and biophysical properties (such as structural, functional, and spatial information, amino acid conservation, physicochemical variation, residue mobility, and thermodynamic stability) performed at Invitae indicates that this missense variant is not expected to disrupt AARS2 protein function. This variant has not been reported in the literature in individuals affected with AARS2-related conditions. This variant is present in population databases (rs768337166, gnomAD 0.006%). This sequence change replaces glutamic acid, which is acidic and polar, with aspartic acid, which is acidic and polar, at codon 603 of the AARS2 protein (p.Glu603Asp).

NM_020745.4(AARS2):c.1809G>C (p.Glu603Asp)

Gene: AARS2 (alanyl-tRNA synthetase 2, mitochondrial; minus strand). Cytogenetic location: 6p21.1.
Variant type: single nucleotide variant.
Coding change: c.1809G>C on transcript NM_020745.4 (MANE Select); coding-DNA position 1809, G replaced by C.
Protein change: p.Glu603Asp; replaces glutamic acid 603 with aspartic acid.
Molecular consequence: missense variant.
Genome position (GRCh38, 1-based): chr6:44,304,477, C>G on the plus strand (G>C on the coding strand, the complement: AARS2 is on the minus strand). VCF-style: chr6-44304477-C-G. GRCh37 (hg19) VCF-style: chr6-44272214-C-G.
Other names: short protein forms E603D.
Identifiers: ClinVar variation 1944479 (VCV001944479.5), dbSNP rs768337166, ClinGen allele CA3834202.